The following is an entry in ClinVar:

NM_003307.4(TRPM2):c.4040C>T (p.Thr1347Met)

Gene: TRPM2 (transient receptor potential cation channel subfamily M member 2; plus strand). Cytogenetic location: 21q22.3.
Variant type: single nucleotide variant.
Coding change: c.4040C>T on transcript NM_003307.4 (MANE Select); coding-DNA position 4040, C replaced by T.
Protein change: p.Thr1347Met; replaces threonine 1347 with methionine.
Molecular consequence: missense variant. On other transcripts: non-coding transcript variant (1).
Genome position (GRCh38, 1-based): chr21:44,435,196, C>T. VCF-style: chr21-44435196-C-T. GRCh37 (hg19) VCF-style: chr21-45855079-C-T.
Other names: c.4190C>T, p.Thr1397Met (NM_001320350.2); c.3938C>T, p.Thr1313Met (NM_001320351.2); c.83C>T, p.Thr28Met (NM_001320352.3); short protein forms T1313M, T28M, T1347M, T1397M.
Identifiers: ClinVar variation 731573 (VCV000731573.28), dbSNP rs45589233, ClinGen allele CA10055748.

ClinVar aggregate classification (germline): Benign. Review status: criteria provided, multiple submitters, no conflicts (2 of 4 stars). 3 submissions from 3 submitters: Benign (3). Last evaluated 2024-01-01.

Allele frequency attached by ClinVar (database versions not stated): 1000 Genomes Project 30x 0.00062; 1000 Genomes Project 0.00080; gnomAD 0.00160; ESP Exome Variant Server 0.00192.

Submissions (3):

CeGaT Center for Human Genetics Tuebingen
Classification: Benign. Last evaluated: 2024-01-01. Review status: criteria provided, single submitter. Criteria: CeGaT Center For Human Genetics Tuebingen Variant Classification Criteria Version 2. Collection method: clinical testing. Allele origin: germline. Affected: yes. Observed: 2 variant alleles.
Comment: TRPM2: BP4, BS1, BS2

Labcorp Genetics (formerly Invitae), Labcorp
Classification: Benign. Last evaluated: 2019-12-31. Review status: criteria provided, single submitter. Criteria: Invitae Variant Classification Sherloc (09022015). Collection method: clinical testing. Allele origin: germline.

Breakthrough Genomics
Classification: Benign. Review status: criteria provided, single submitter. Criteria: ACMG Guidelines, 2015. Collection method: not provided. Allele origin: germline. Inheritance: Unknown mechanism. Affected: yes.